The following is an entry in ClinVar:

ClinVar aggregate classification (germline): Pathogenic (0 of 4 stars; one submission).

Conditions:
Polycystic kidney disease. Also called: Polycystic kidney dysplasia; Kidney, Polycystic. Identifiers: MedGen C0022680, MeSH D007690, MONDO:0020642, HP:0000113.

Submission:

Department of Pathology and Laboratory Medicine, Sinai Health System
Classification: Pathogenic for Polycystic Kidney disease. Review status: no assertion criteria provided. Collection method: clinical testing. Allele origin: unknown. Affected: yes. Study: The Canadian Open Genetics Repository (COGR).
Comment: The PKD2 p.Leu221Tyrfs*12 variant was not identified in the literature nor was it identified in dbSNP, ClinVar, LOVD 3.0, ADPKD Mutation Database, and PKD1-LOVD . The variant was not identified in the following control databases: the Exome Aggregation Consortium (August 8th 2016), or the Genome Aggregation Database (Feb 27, 2017). The c.662del variant is predicted to cause a frameshift, which alters the protein amino acid sequence beginning at codon 221 and leads to a premature stop codon 12 codons downstream. This alteration is then predicted to result in a truncated or absent protein and loss of function. Loss of function variants of the PKD2 gene are an established mechanism of disease in polycystic kidney disease and is the type of variant expected to cause the disorder. In summary, based on the above information this variant meets our laboratoryâ€šÃ„Ã´s criteria to be classified as pathogenic.

NM_000297.4(PKD2):c.662del (p.Leu221fs)

Gene: PKD2 (polycystin 2, transient receptor potential cation channel; plus strand). Cytogenetic location: 4q22.1.
Variant type: Deletion.
Coding change: c.662del on transcript NM_000297.4 (MANE Select); coding-DNA position 662, one base deleted (T; older notation c.662delT).
Protein change: p.Leu221fs; shifts the reading frame from leucine 221.
Molecular consequence: frameshift variant. On other transcripts: non-coding transcript variant (1).
Genome position (GRCh38, 1-based): chr4:88,019,524, T deleted; the last of 4 consecutive T bases (chr4:88,019,521-88,019,524); deleting any one gives the same sequence. VCF-style (leftmost placement, unchanged base first): chr4-88019520-GT-G. GRCh37 (hg19) VCF-style: chr4-88940672-GT-G.
Other names: short protein forms L221fs.
Identifiers: ClinVar variation 997106 (VCV000997106.1), dbSNP rs1726677278, ClinGen allele CA1474567452.
Genomic context (GRCh38, chr4:88,019,520, plus strand): 5'-CTCTGGGGAACAAGACTCATGGAGGAAAGCAGCACTAACCGAGAGAAATACCTTAAAAGT[GT>G]TTTACGGGAACTGGTCACATACCTCCTTTTTCTCATAGTCTTGTGCATCTGTAAGTAGAA-3'